The following is an entry in ClinVar:

NM_002024.6(FMR1):c.82A>T (p.Ile28Leu)

Gene: FMR1 (fragile X messenger ribonucleoprotein 1; plus strand). Cytogenetic location: Xq27.3.
Variant type: single nucleotide variant.
Coding change: c.82A>T on transcript NM_002024.6 (MANE Select); coding-DNA position 82, A replaced by T.
Protein change: p.Ile28Leu; replaces isoleucine 28 with leucine.
Molecular consequence: missense variant. On other transcripts: non-coding transcript variant (2).
Genome position (GRCh38, 1-based): chrX:147,921,963, A>T. VCF-style: chrX-147921963-A-T. GRCh37 (hg19) VCF-style: chrX-147003481-A-T.
Other names: c.82A>T, p.Ile28Leu (NM_001185075.2, NM_001185076.2, NM_001185081.2 and 1 more transcripts); short protein forms I28L.
Identifiers: ClinVar variation 3368324 (VCV003368324.1).
Genomic context (GRCh38, chrX:147,921,963, plus strand): 5'-CAAGTTAATTTAACGTTTTTTCTTACACAGGCATTTGTAAAGGATGTTCATGAAGATTCA[A>T]TAACAGTTGCATTTGAAAACAAGTAAGTGTCTCGTTATATAATTTTAATGATGAGGTTCT-3'
Protein context (NP_002015.1, residues 18-38): AFVKDVHEDS[Ile28Leu]TVAFENNWQP

ClinVar aggregate classification (germline): Uncertain significance (1 of 4 stars; one submission).

Submission:

GeneDx
Classification: Uncertain significance. Last evaluated: 2024-01-24. Review status: criteria provided, single submitter. Criteria: GeneDx Variant Classification Process June 2021. Collection method: clinical testing. Allele origin: germline. Affected: yes.
Comment: Not observed at significant frequency in large population cohorts (gnomAD); In silico analysis supports that this missense variant does not alter protein structure/function; Has not been previously published as pathogenic or benign to our knowledge